The following is an entry in ClinVar:

NM_006766.5(KAT6A):c.4233GGA[1] (p.Glu1414del)

Gene: KAT6A (lysine acetyltransferase 6A; minus strand). Cytogenetic location: 8p11.21.
Variant type: Microsatellite.
Coding change: c.4233GGA[1] on transcript NM_006766.5 (MANE Select); one copy of the 3-base unit GGA starting at c.4233; the reference has two copies in a row; one copy, 3 bases deleted.
Protein change: p.Glu1414del; deletes glutamic acid 1414.
Molecular consequence: inframe deletion.
Genome position (GRCh38, 1-based): chr8:41,933,982-41,933,984, TCC deleted on the plus strand (GGA on the coding strand, the reverse complement: KAT6A is on the minus strand); deleting any 3 consecutive bases within chr8:41,933,982-41,933,989 gives the same sequence; the position shown is the placement nearest the transcript's 3' end. VCF-style (leftmost placement, unchanged base first): chr8-41933981-TTCC-T. GRCh37 (hg19) VCF-style: chr8-41791499-TTCC-T.
Other names: short protein forms E1414del.
Identifiers: ClinVar variation 2500680 (VCV002500680.1), dbSNP rs2486755589, ClinGen allele CA913141695.

ClinVar aggregate classification (germline): Uncertain significance (1 of 4 stars; one submission).

Submission:

GeneDx
Classification: Uncertain significance. Last evaluated: 2023-04-05. Review status: criteria provided, single submitter. Criteria: GeneDx Variant Classification Process June 2021. Collection method: clinical testing. Allele origin: germline. Affected: yes.
Comment: Not observed at significant frequency in large population cohorts (gnomAD); In-frame deletion of 1 amino acid in a non-repeat region; In silico analysis supports a deleterious effect on protein structure/function; Has not been previously published as pathogenic or benign to our knowledge